The following is an entry in ClinVar:

ClinVar aggregate classification (germline): Uncertain significance (1 of 4 stars; one submission).

Allele frequency attached by ClinVar (database versions not stated): gnomAD 0.00001; TOPMed 0.00001; ExAC 0.00005.
gnomAD v4.1: 17 of 1,209,828 alleles (0.0014%); highest among the groups gnomAD compares: East Asian, 0.003%; no homozygotes.

Submission:

Labcorp Genetics (formerly Invitae), Labcorp
Classification: Uncertain significance. Last evaluated: 2023-12-07. Review status: criteria provided, single submitter. Criteria: Invitae Variant Classification Sherloc (09022015). Collection method: clinical testing. Allele origin: germline.
Comment: This sequence change replaces serine, which is neutral and polar, with leucine, which is neutral and non-polar, at codon 73 of the COL4A6 protein (p.Ser73Leu). This variant is present in population databases (rs759248893, gnomAD 0.008%). This variant has not been reported in the literature in individuals affected with COL4A6-related conditions. ClinVar contains an entry for this variant (Variation ID: 2139538). Advanced modeling of protein sequence and biophysical properties (such as structural, functional, and spatial information, amino acid conservation, physicochemical variation, residue mobility, and thermodynamic stability) performed at Invitae indicates that this missense variant is not expected to disrupt COL4A6 protein function with a negative predictive value of 80%. In summary, the available evidence is currently insufficient to determine the role of this variant in disease. Therefore, it has been classified as a Variant of Uncertain Significance.

NM_033641.4(COL4A6):c.215C>T (p.Ser72Leu)

Gene: COL4A6 (collagen type IV alpha 6 chain; minus strand). Cytogenetic location: Xq22.3.
Variant type: single nucleotide variant.
Coding change: c.215C>T on transcript NM_033641.4 (MANE Select); coding-DNA position 215, C replaced by T.
Protein change: p.Ser72Leu; replaces serine 72 with leucine.
Molecular consequence: missense variant.
Genome position (GRCh38, 1-based): chrX:108,221,304, G>A on the plus strand (C>T on the coding strand, the complement: COL4A6 is on the minus strand). VCF-style: chrX-108221304-G-A. GRCh37 (hg19) VCF-style: chrX-107464534-G-A.
Other names: c.215C>T, p.Ser72Leu (NM_001287758.2, NM_001287759.2, NM_001287760.2); c.218C>T, p.Ser73Leu (NM_001847.4); short protein forms S72L, S73L.
Identifiers: ClinVar variation 2139538 (VCV002139538.4), dbSNP rs759248893, ClinGen allele CA10488243.